The following is an entry in ClinVar:

ClinVar aggregate classification (germline): Uncertain significance (1 of 4 stars; one submission).

Conditions:
Hypercholesterolemia, autosomal dominant, 3 (FHCL3). Also called: Familial Hypercholesterolemia, Autosomal Dominant, 3; PCSK9-Related Familial Hypercholesterolemia, Autosomal Dominant; Familial hypercholesterolemia 3. Identifiers: MedGen C1863551, MONDO:0011369, OMIM 603776.

gnomAD v4.1: 1 of 1,614,002 alleles (0.000062%); highest among the groups gnomAD compares: Non-Finnish European, 0.000085%; no homozygotes.

Submission:

All of Us Research Program, National Institutes of Health
Classification: Uncertain significance for Hypercholesterolemia, autosomal dominant, 3. Last evaluated: 2023-12-18. Review status: criteria provided, single submitter. Criteria: ACMG Guidelines, 2015. Collection method: clinical testing. Allele origin: germline. Inheritance: Autosomal dominant inheritance. Observed: 1 variant allele, 1 heterozygote.
Comment: This missense variant replaces valine with phenylalanine at codon 644 of the PCSK9 protein. Computational prediction suggests that this variant may not impact protein structure and function (internally defined REVEL score threshold <= 0.5, PMID: 27666373). To our knowledge, functional studies have not been reported for this variant. This variant has not been reported in individuals affected with PCSK9-related disorders in the literature. This variant has not been identified in the general population by the Genome Aggregation Database (gnomAD). The available evidence is insufficient to determine the role of this variant in disease conclusively. Therefore, this variant is classified as a Variant of Uncertain Significance.

This study involves interpretation of variants in research participants for the purpose of population health screening. Participant phenotype was not available at the time of variant classification. Additional details can be found in publication PMID: 35346344, PMCID: PMC8962531

NM_174936.4(PCSK9):c.1930G>T (p.Val644Phe)

Gene: PCSK9 (proprotein convertase subtilisin/kexin type 9; plus strand). Cytogenetic location: 1p32.3.
Variant type: single nucleotide variant.
Coding change: c.1930G>T on transcript NM_174936.4 (MANE Select); coding-DNA position 1930, G replaced by T.
Protein change: p.Val644Phe; replaces valine 644 with phenylalanine.
Molecular consequence: missense variant. On other transcripts: non-coding transcript variant (8).
Genome position (GRCh38, 1-based): chr1:55,063,435, G>T. VCF-style: chr1-55063435-G-T. GRCh37 (hg19) VCF-style: chr1-55529108-G-T.
Other names: c.2053G>T, p.Val685Phe (NM_001407240.1); c.1972G>T, p.Val658Phe (NM_001407241.1); c.1933G>T, p.Val645Phe (NM_001407242.1); c.1873G>T, p.Val625Phe (NM_001407243.1); c.1756G>T, p.Val586Phe (NM_001407244.1); c.1738G>T, p.Val580Phe (NM_001407245.1); c.1555G>T, p.Val519Phe (NM_001407246.1); c.1429G>T, p.Val477Phe (NM_001407247.1); short protein forms V685F, V477F, V519F, V580F, V586F, V625F, V644F, V645F.
Identifiers: ClinVar variation 3075107 (VCV003075107.1), dbSNP rs143291739, ClinGen allele CA340480678.